The following is an entry in ClinVar:

ClinVar aggregate classification (germline): Uncertain significance (1 of 4 stars; one submission).

Conditions:
Duchenne muscular dystrophy (DMD). Also called: MUSCULAR DYSTROPHY, PSEUDOHYPERTROPHIC PROGRESSIVE, DUCHENNE TYPE; Duchenne Muscular Dystrophy (DMD). Identifiers: Orphanet 98896, MedGen C0013264, MONDO:0010679, OMIM 310200.

Submission:

Labcorp Genetics (formerly Invitae), Labcorp
Classification: Uncertain significance for Duchenne muscular dystrophy. Last evaluated: 2023-06-24. Review status: criteria provided, single submitter. Criteria: Invitae Variant Classification Sherloc (09022015). Collection method: clinical testing. Allele origin: germline.
Comment: In summary, the available evidence is currently insufficient to determine the role of this variant in disease. Therefore, it has been classified as a Variant of Uncertain Significance. Algorithms developed to predict the effect of sequence changes on RNA splicing suggest that this variant may disrupt the consensus splice site. Advanced modeling of protein sequence and biophysical properties (such as structural, functional, and spatial information, amino acid conservation, physicochemical variation, residue mobility, and thermodynamic stability) performed at Invitae indicates that this missense variant is not expected to disrupt DMD protein function. This variant has not been reported in the literature in individuals affected with DMD-related conditions. This variant is not present in population databases (gnomAD no frequency). This sequence change replaces glutamic acid, which is acidic and polar, with glycine, which is neutral and non-polar, at codon 1435 of the DMD protein (p.Glu1435Gly).

NM_004006.3(DMD):c.4304A>G (p.Glu1435Gly)

Gene: DMD (dystrophin; minus strand). Cytogenetic location: Xp21.1.
Variant type: single nucleotide variant.
Coding change: c.4304A>G on transcript NM_004006.3 (MANE Select); coding-DNA position 4304, A replaced by G.
Protein change: p.Glu1435Gly; replaces glutamic acid 1435 with glycine.
Molecular consequence: missense variant.
Genome position (GRCh38, 1-based): chrX:32,390,111, T>C on the plus strand (A>G on the coding strand, the complement: DMD is on the minus strand). VCF-style: chrX-32390111-T-C. GRCh37 (hg19) VCF-style: chrX-32408228-T-C.
Other names: c.4280A>G, p.Glu1427Gly (NM_000109.4); c.4292A>G, p.Glu1431Gly (NM_004009.3); c.3935A>G, p.Glu1312Gly (NM_004010.3); c.281A>G, p.Glu94Gly (NM_004011.4); c.272A>G, p.Glu91Gly (NM_004012.4); short protein forms E1427G, E1431G, E1312G, E1435G, E91G, E94G.
Identifiers: ClinVar variation 2896935 (VCV002896935.3), dbSNP rs768351017, ClinGen allele CA412664004.
Genomic context (GRCh38, chrX:32,390,111, plus strand): 5'-GTTTCTGAAATAACATATACCTGTGCAACATCAATCTGAGACAGGACTCTTTGGGCAGCC[T>C]CCTTCCCCTGATTATGTTTCTTCATTTCTTCTAAACTGATCTCATGACTTGTCAAATCAG-3'
Protein context (NP_003997.2, residues 1425-1445): EEMKKHNQGK[Glu1435Gly]AAQRVLSQID